The following is an entry in ClinVar:

ClinVar aggregate classification (germline): Conflicting classifications of pathogenicity. Review status: criteria provided, conflicting classifications (1 of 4 stars). 6 submissions from 6 submitters: Uncertain significance (5); Likely benign (1). Last evaluated 2025-12-21.

Conditions:
Inborn genetic diseases. Identifiers: MedGen C0950123, MeSH D030342.

Allele frequency attached by ClinVar (database versions not stated): gnomAD 0.00029; TOPMed 0.00034; ESP Exome Variant Server 0.00046.
gnomAD v4.1: 98 of 1,610,184 alleles (0.0061%); highest among the groups gnomAD compares: African/African-American, 0.12%; no homozygotes.

Submissions (6):

Labcorp Genetics (formerly Invitae), Labcorp
Classification: Likely benign. Last evaluated: 2025-12-21. Review status: criteria provided, single submitter. Criteria: Invitae Variant Classification Sherloc (09022015). Collection method: clinical testing. Allele origin: germline.

GeneDx
Classification: Uncertain significance. Last evaluated: 2024-07-26. Review status: criteria provided, single submitter. Criteria: GeneDx Variant Classification Process June 2021. Collection method: clinical testing. Allele origin: germline. Affected: yes.
Comment: Has not been previously published as pathogenic or benign to our knowledge; In silico analysis indicates that this missense variant does not alter protein structure/function

Women's Health and Genetics/Laboratory Corporation of America, LabCorp
Classification: Uncertain significance. Last evaluated: 2024-06-11. Review status: criteria provided, single submitter. Criteria: LabCorp Variant Classification Summary - May 2015. Collection method: clinical testing. Allele origin: germline.
Comment: Variant summary: COL9A1 c.2011G>A (p.Glu671Lys) results in a conservative amino acid change in the encoded protein sequence. Three of five in-silico tools predict a damaging effect of the variant on protein function. The variant allele was found at a frequency of 6e-05 in 251212 control chromosomes (gnomAD). This frequency is not significantly higher than estimated for a pathogenic variant in COL9A1 causing COL9A1-Related Disorders, allowing no conclusion about variant significance. To our knowledge, no occurrence of c.2011G>A in individuals affected with COL9A1-Related Disorders and no experimental evidence demonstrating its impact on protein function have been reported. ClinVar contains an entry for this variant (Variation ID: 284619). Based on the evidence outlined above, the variant was classified as uncertain significance.

Ambry Genetics
Classification: Uncertain significance for Inborn genetic diseases. Last evaluated: 2024-06-07. Review status: criteria provided, single submitter. Criteria: Ambry Variant Classification Scheme 2023. Collection method: clinical testing. Allele origin: germline.

Blueprint Genetics
Classification: Uncertain significance. Last evaluated: 2020-05-14. Review status: criteria provided, single submitter. Criteria: ACMG Guidelines, 2015. Collection method: clinical testing. Allele origin: germline.

Eurofins Ntd Llc (ga)
Classification: Uncertain significance. Last evaluated: 2015-11-18. Review status: criteria provided, single submitter. Criteria: EGL Classification Definitions 2015. Collection method: clinical testing. Allele origin: germline. Observed: 1 variant allele, 1 heterozygote.

NM_001851.6(COL9A1):c.2011G>A (p.Glu671Lys)

Gene: COL9A1 (collagen type IX alpha 1 chain; minus strand). Cytogenetic location: 6q13.
Variant type: single nucleotide variant.
Coding change: c.2011G>A on transcript NM_001851.6 (MANE Select); coding-DNA position 2011, G replaced by A.
Protein change: p.Glu671Lys; replaces glutamic acid 671 with lysine.
Molecular consequence: missense variant. On other transcripts: non-coding transcript variant (1).
Genome position (GRCh38, 1-based): chr6:70,241,442, C>T on the plus strand (G>A on the coding strand, the complement: COL9A1 is on the minus strand). VCF-style: chr6-70241442-C-T. GRCh37 (hg19) VCF-style: chr6-70951145-C-T.
Other names: c.1312G>A, p.Glu438Lys (NM_001377289.1); c.1282G>A, p.Glu428Lys (NM_001377290.1, NM_078485.4); short protein forms E671K, E428K, E438K.
Identifiers: ClinVar variation 284619 (VCV000284619.20), dbSNP rs141825151, ClinGen allele CA3881917.
Genomic context (GRCh38, chr6:70,241,442, plus strand): 5'-ACATTGCATTTTATACCAATTAAATAATAAGACTGACCTGTTCACCCTTTGGACCCGGTT[C>T]ACCGACTACACCCTGTAATAAATAAAATATAATACTTTTTCAGTATTTTCAACTGTTTAT-3'
Protein context (NP_001842.3, residues 661-681): GMKGDRGVVG[Glu671Lys]PGPKGEQGAS